The following is an entry in ClinVar:

ClinVar aggregate classification (germline): Uncertain significance (1 of 4 stars; one submission).

Conditions:
Dilated cardiomyopathy 2B. Identifiers: Orphanet 154, MedGen C3553409, MONDO:0013848, OMIM 614672.

Submission:

Labcorp Genetics (formerly Invitae), Labcorp
Classification: Uncertain significance for Dilated cardiomyopathy 2B. Last evaluated: 2023-09-08. Review status: criteria provided, single submitter. Criteria: Invitae Variant Classification Sherloc (09022015). Collection method: clinical testing. Allele origin: germline.
Comment: This variant has not been reported in the literature in individuals affected with GATAD1-related conditions. In summary, the available evidence is currently insufficient to determine the role of this variant in disease. Therefore, it has been classified as a Variant of Uncertain Significance. Advanced modeling of protein sequence and biophysical properties (such as structural, functional, and spatial information, amino acid conservation, physicochemical variation, residue mobility, and thermodynamic stability) performed at Invitae indicates that this missense variant is not expected to disrupt GATAD1 protein function. This variant is not present in population databases (gnomAD no frequency). This sequence change replaces glycine, which is neutral and non-polar, with serine, which is neutral and polar, at codon 37 of the GATAD1 protein (p.Gly37Ser).

NM_021167.5(GATAD1):c.109G>A (p.Gly37Ser)

Genes: GATAD1 (GATA zinc finger domain containing 1; plus strand), LOC129998793 (ATAC-STARR-seq lymphoblastoid silent region 18371; plus strand). Cytogenetic location: 7q21.2.
Variant type: single nucleotide variant.
Coding change: c.109G>A on transcript NM_021167.5 (MANE Select); coding-DNA position 109, G replaced by A.
Protein change: p.Gly37Ser; replaces glycine 37 with serine.
Molecular consequence: missense variant. On other transcripts: non-coding transcript variant (1).
Genome position (GRCh38, 1-based): chr7:92,447,838, G>A. VCF-style: chr7-92447838-G-A. GRCh37 (hg19) VCF-style: chr7-92077152-G-A.
Other names: short protein forms G37S.
Identifiers: ClinVar variation 2756728 (VCV002756728.3), dbSNP rs1562816200, ClinGen allele CA368155096.